The following is an entry in ClinVar:

NM_206933.4(USH2A):c.15307_15519+114delinsTGAGAAGTGCCAGTGAGGTAGTAACTAAGTGCTAAGT

Gene: USH2A (usherin; minus strand). Cytogenetic location: 1q41.
Variant type: Indel.
Coding change: c.15307_15519+114delinsTGAGAAGTGCCAGTGAGGTAGTAACTAAGTGCTAAGT on transcript NM_206933.4 (MANE Select); coding-DNA position 15307 through 114 bases into the intron after coding-DNA position 15519, the reference bases replaced by an inserted sequence.
Molecular consequence: splice donor variant.
Genome position (GRCh38, 1-based): chr1:215,628,700-215,629,026, 327 bases replaced. GRCh37 (hg19): chr1:215,802,042-215,802,368.
Identifiers: ClinVar variation 4715117 (VCV004715117.1).

ClinVar aggregate classification (germline): Pathogenic (1 of 4 stars; one submission).

Submission:

Labcorp Genetics (formerly Invitae), Labcorp
Classification: Pathogenic. Last evaluated: 2025-07-21. Review status: criteria provided, single submitter. Criteria: Invitae Variant Classification Sherloc (09022015). Collection method: clinical testing. Allele origin: germline.
Comment: This variant results in the deletion of part of exon 71 (c.15307_15519+114delins37) of the USH2A gene. While this variant is not anticipated to result in nonsense mediated decay, it likely alters RNA splicing and results in a disrupted protein product. This variant is not present in population databases (gnomAD no frequency). This variant has not been reported in the literature in individuals affected with USH2A-related conditions. Variants that disrupt the consensus splice site are a relatively common cause of aberrant splicing (PMID: 17576681, 9536098). This variant disrupts a region of the USH2A protein in which other variant(s) (p.Ile5166Val)) have been determined to be pathogenic (PMID: 26969326, 27460420, 32531858). This suggests that this is a clinically significant region of the protein, and that variants that disrupt it are likely to be disease-causing. For these reasons, this variant has been classified as Pathogenic.

Literature cited by the submitters: PubMed 17576681; PubMed 9536098; PubMed 26969326; PubMed 27460420; PubMed 32531858.